The following is an entry in ClinVar:

ClinVar aggregate classification (germline): Pathogenic (1 of 4 stars; one submission).

Submission:

Labcorp Genetics (formerly Invitae), Labcorp
Classification: Pathogenic. Last evaluated: 2020-09-16. Review status: criteria provided, single submitter. Criteria: Invitae Variant Classification Sherloc (09022015). Collection method: clinical testing. Allele origin: germline.
Comment: For these reasons, this variant has been classified as Pathogenic. Loss-of-function variants in ESCO2 are known to be pathogenic (PMID: 15821733, 16380922). This variant has not been reported in the literature in individuals with ESCO2-related conditions. This variant is an out-of-frame deletion of the genomic region encompassing exon(s) 5 of the ESCO2 gene. This is expected to create a premature translational stop signal and result in an absent or disrupted protein product.

Literature cited by the submitters: PubMed 15821733; PubMed 16380922.

NC_000008.10:g.(?_27641507)_(27641584_?)del

Gene: ESCO2 (establishment of sister chromatid cohesion N-acetyltransferase 2; plus strand). Cytogenetic location: 8p21.1.
Variant type: Deletion.
Identifiers: ClinVar variation 1075906 (VCV001075906.5).